The following is an entry in ClinVar:

NM_000535.7(PMS2):c.1381G>A (p.Ala461Thr)

Gene: PMS2 (PMS1 homolog 2, mismatch repair system component; minus strand). Cytogenetic location: 7p22.1.
Variant type: single nucleotide variant.
Coding change: c.1381G>A on transcript NM_000535.7 (MANE Select); coding-DNA position 1381, G replaced by A.
Protein change: p.Ala461Thr; replaces alanine 461 with threonine.
Molecular consequence: missense variant. On other transcripts: non-coding transcript variant (1), intron variant (1).
Genome position (GRCh38, 1-based): chr7:5,987,384, C>T on the plus strand (G>A on the coding strand, the complement: PMS2 is on the minus strand). VCF-style: chr7-5987384-C-T. GRCh37 (hg19) VCF-style: chr7-6027015-C-T.
Other names: c.976G>A, p.Ala326Thr (NM_001322003.2, NM_001322004.2, NM_001322005.2 and 16 more transcripts); c.1225G>A, p.Ala409Thr (NM_001322006.2, NM_001406870.1); c.1063G>A, p.Ala355Thr (NM_001322007.2, NM_001322008.2, NM_001406876.1 and 2 more transcripts); c.820G>A, p.Ala274Thr (NM_001322010.2, NM_001406906.1, NM_001406907.1); c.448G>A, p.Ala150Thr (NM_001322011.2, NM_001322012.2); c.808G>A, p.Ala270Thr (NM_001322013.2, NM_001406909.1); c.1381G>A, p.Ala461Thr (NM_001322014.2, NM_001406871.1, NM_001406872.1); c.1072G>A, p.Ala358Thr (NM_001322015.2, NM_001406875.1, NM_001406877.1 and 5 more transcripts); and 13 more; short protein forms A274T, A303T, A349T, A405T, A204T, A270T, A306T, A339T.
Identifiers: ClinVar variation 4711113 (VCV004711113.1).

ClinVar aggregate classification (germline): Uncertain significance (1 of 4 stars; one submission).

Conditions:
Hereditary nonpolyposis colorectal neoplasms. Identifiers: MedGen C0009405, MeSH D003123.

Submission:

Labcorp Genetics (formerly Invitae), Labcorp
Classification: Uncertain significance for Hereditary nonpolyposis colorectal neoplasms. Last evaluated: 2025-06-05. Review status: criteria provided, single submitter. Criteria: Invitae Variant Classification Sherloc (09022015). Collection method: clinical testing. Allele origin: germline.
Comment: This sequence change replaces alanine, which is neutral and non-polar, with threonine, which is neutral and polar, at codon 461 of the PMS2 protein (p.Ala461Thr). This variant is not present in population databases (gnomAD no frequency). This variant has not been reported in the literature in individuals affected with PMS2-related conditions. Invitae Evidence Modeling incorporating data from in vitro experimental studies (internal data) indicates that this missense variant is not expected to disrupt PMS2 function with a negative predictive value of 95%. In summary, the available evidence is currently insufficient to determine the role of this variant in disease. Therefore, it has been classified as a Variant of Uncertain Significance.